The following is an entry in ClinVar:

NM_000059.4(BRCA2):c.5038_5039delinsAA (p.Ser1680Asn)

Gene: BRCA2 (BRCA2 DNA repair associated; plus strand). Cytogenetic location: 13q13.1.
Variant type: Indel.
Coding change: c.5038_5039delinsAA on transcript NM_000059.4 (MANE Select); coding-DNA positions 5038 to 5039, TC replaced by AA.
Protein change: p.Ser1680Asn; replaces serine 1680 with asparagine.
Molecular consequence: missense variant.
Genome position (GRCh38, 1-based): chr13:32,339,393-32,339,394, TC replaced by AA. VCF-style: chr13-32339393-TC-AA. GRCh37 (hg19) VCF-style: chr13-32913530-TC-AA.
Other names: c.5038_5039delTCinsAA (NM_000059.3); short protein forms S1680N.
Identifiers: ClinVar variation 650199 (VCV000650199.9), dbSNP rs1593904220, ClinGen allele CA915948483.

ClinVar aggregate classification (germline): Conflicting classifications of pathogenicity. Review status: criteria provided, conflicting classifications (1 of 4 stars). 2 submissions from 2 submitters: Uncertain significance (1); Likely benign (1). Last evaluated 2025-08-13.

Conditions:
Hereditary cancer-predisposing syndrome. Also called: Neoplastic Syndromes, Hereditary; Tumor predisposition; Hereditary Cancer Syndrome; Hereditary neoplastic syndrome. Identifiers: Orphanet 140162, MedGen C0027672, MeSH D009386, MONDO:0015356.
Hereditary breast ovarian cancer syndrome. Also called: Breast and ovarian cancer; BRCA1- and BRCA2-Associated Hereditary Breast and Ovarian Cancer; Hereditary breast and ovarian cancer; Hereditary breast and ovarian cancer syndrome (HBOC); Hereditary breast and/or ovarian cancer syndrome; Hereditary breast and ovarian cancer syndrome. Identifiers: Orphanet 145, MedGen C0677776, MeSH D061325, MONDO:0003582. Disease mechanism: loss of function.

Submissions (2):

Labcorp Genetics (formerly Invitae), Labcorp
Classification: Uncertain significance for Hereditary breast ovarian cancer syndrome. Last evaluated: 2025-08-13. Review status: criteria provided, single submitter. Criteria: Invitae Variant Classification Sherloc (09022015). Collection method: clinical testing. Allele origin: germline.
Comment: This sequence change replaces serine, which is neutral and polar, with asparagine, which is neutral and polar, at codon 1680 of the BRCA2 protein (p.Ser1680Asn). Information on the frequency of this variant in the gnomAD database is not available, as this variant may be reported differently in the database. This variant has not been reported in the literature in individuals affected with BRCA2-related conditions. ClinVar contains an entry for this variant (Variation ID: 650199). An algorithm developed to predict the effect of missense changes on protein structure and function (PolyPhen-2) suggests that this variant is likely to be disruptive. In summary, the available evidence is currently insufficient to determine the role of this variant in disease. Therefore, it has been classified as a Variant of Uncertain Significance.

University of Washington Department of Laboratory Medicine, University of Washington
Classification: Likely benign for Hereditary cancer-predisposing syndrome. Last evaluated: 2023-03-23. Review status: criteria provided, single submitter. Criteria: Dines et al. (Genet Med. 2020). Collection method: curation. Allele origin: germline.
Comment: Missense variant in a coldspot region where missense variants are very unlikely to be pathogenic (PMID:31911673).

BRCA2 exon 11 coldspot. Reclassification based on statistical prior probability.